The following is an entry in ClinVar:

NC_012920.1(MT-ND5):m.13813G>A

Gene: MT-ND5 (mitochondrially encoded NADH dehydrogenase 5; plus strand).
Variant type: single nucleotide variant.
Genome position: chrM-13813-G-A.
Identifiers: ClinVar variation 693615 (VCV000693615.1), dbSNP rs1556424332, ClinGen allele CA414819629.
Genomic context (GRCh38, chrMT:13,813, plus strand): 5'-TCCCCCGCATCCCCCTTCCAAACAACAATCCCCCTCTACCTAAAACTCACAGCCCTCGCT[G>A]TCACTTTCCTAGGACTTCTAACAGCCCTAGACCTCAACTACCTAACCAACAAACTTAAAA-3'

ClinVar aggregate classification (germline): Benign (1 of 4 stars; one submission).

Conditions:
Leigh syndrome (NULS). Also called: Leigh's necrotizing encephalopathy; Leigh's disease; Leigh's syndrome; LEIGH SYNDROME, NUCLEAR; Leigh Syndrome (mtDNA deletion); Leigh Disease. Identifiers: Orphanet 506, MedGen C2931891, MONDO:0009723, OMIM 256000.

Submission:

Wong Mito Lab, Molecular and Human Genetics, Baylor College of Medicine
Classification: Benign for Leigh syndrome. Last evaluated: 2019-10-17. Review status: criteria provided, single submitter. Criteria: Modified ACMG Guidelines (Unpublished). Collection method: clinical testing. Allele origin: germline.
Comment: The NC_012920.1:m.13813G>A (YP_003024036.1:p.Val493Ile) variant in MTND5 gene is interpretated to be a Benign variant based on the modified ACMG guidelines (unpublished). This variant meets the following evidence codes: BS1, BS2, BP4

Literature cited by the submitters: PubMed 18246027.